The following is an entry in ClinVar:

ClinVar aggregate classification (germline): Pathogenic. Review status: criteria provided, multiple submitters, no conflicts (2 of 4 stars). 2 submissions from 2 submitters: Pathogenic (2). Last evaluated 2025-10-23.

Conditions:
Hereditary cancer-predisposing syndrome. Also called: Tumor predisposition; Neoplastic Syndromes, Hereditary; Hereditary Cancer Syndrome; Hereditary neoplastic syndrome. Identifiers: Orphanet 140162, MedGen C0027672, MeSH D009386, MONDO:0015356.
Familial melanoma. Also called: Hereditary melanoma; Hereditary cutaneous melanoma. Identifiers: Orphanet 618, MedGen C1512419, MONDO:0018961.

Submissions (2):

Labcorp Genetics (formerly Invitae), Labcorp
Classification: Pathogenic for Familial melanoma. Last evaluated: 2025-10-23. Review status: criteria provided, single submitter. Criteria: Invitae Variant Classification Sherloc (09022015). Collection method: clinical testing. Allele origin: germline.
Comment: The CDKN2A gene encodes two different proteins, p16INK4a and p14ARF, which are translated from alternative transcripts with different open reading frames. Both transcripts have been analyzed. We report either the variant with the higher classification or default to the CDKN2A (p16INK4a) variant. This report therefore includes the details for the CDKN2A (p16INK4a) variant. This sequence change creates a premature translational stop signal (p.Leu64Cysfs*82) in the CDKN2A (p16INK4a) gene. While this is not anticipated to result in nonsense mediated decay, it is expected to disrupt the last 93 amino acid(s) of the CDKN2A (p16INK4a) protein. This variant is not present in population databases (gnomAD no frequency). This variant has not been reported in the literature in individuals affected with CDKN2A (p16INK4a)-related conditions. This variant is also known as c.232del (p.Ala78Leufs*94) in the CDKN2A (p14ARF) transcript. ClinVar contains an entry for this variant (Variation ID: 644262). This variant disrupts a region of the CDKN2A (p16INK4a) protein in which other variant(s) (p.Ala76Cysfs*64) have been determined to be pathogenic (PMID: 9439668, 20539244, 20653773, 25780468, 26681309). This suggests that this is a clinically significant region of the protein, and that variants that disrupt it are likely to be disease-causing. For these reasons, this variant has been classified as Pathogenic. While the evidence indicates that this variant confers risk of developing CDKN2A (p16INK4a)-associated conditions, its association with risk for developing CDKN2A (p14ARF)-associated conditions is still unclear.

Ambry Genetics
Classification: Pathogenic for Hereditary cancer-predisposing syndrome. Last evaluated: 2025-09-30. Review status: criteria provided, single submitter. Criteria: Ambry Variant Classification Scheme 2023. Collection method: clinical testing. Allele origin: germline.
Comment: The c.189delG pathogenic mutation, located in coding exon 2 of the CDKN2A gene, results from a deletion of one nucleotide at nucleotide position 189, causing a translational frameshift with a predicted alternate stop codon (p.L64Cfs*82). Of note, this variant is also known as c.232del (p.A78Lfs*94) in the p14(ARF) isoform. This alteration occurs at the 3' terminus of the gene, is not expected to trigger nonsense-mediated mRNA decay, and impacts the last 59% of the protein. However, premature stop codons are typically deleterious in nature and a significant portion of the protein is affected (Ambry internal data). This variant is considered to be rare based on population cohorts in the Genome Aggregation Database (gnomAD). Based on the supporting evidence, this variant is interpreted as a disease-causing mutation.

Literature cited by the submitters: PubMed 9439668 (cited by Labcorp Genetics (formerly Invitae), Labcorp); PubMed 20539244 (cited by Labcorp Genetics (formerly Invitae), Labcorp); PubMed 20653773 (cited by Labcorp Genetics (formerly Invitae), Labcorp); PubMed 25780468 (cited by Labcorp Genetics (formerly Invitae), Labcorp); PubMed 26681309 (cited by Labcorp Genetics (formerly Invitae), Labcorp).

NM_000077.5(CDKN2A):c.189del (p.Leu64fs)

Gene: CDKN2A (cyclin dependent kinase inhibitor 2A; minus strand). Cytogenetic location: 9p21.3.
Variant type: Deletion.
Coding change: c.189del on transcript NM_000077.5; coding-DNA position 189, one base deleted (G; older notation c.189delG).
Protein change: p.Leu64fs; shifts the reading frame from leucine 64.
Molecular consequence: frameshift variant (on NM_000077.6). On other transcripts: 3 prime UTR variant (1).
Genome position (GRCh38, 1-based): chr9:21,971,170, C deleted on the plus strand (G on the coding strand, the reverse complement: CDKN2A is on the minus strand). VCF-style (leftmost placement, unchanged base first): chr9-21971169-GC-G. GRCh37 (hg19) VCF-style: chr9-21971168-GC-G.
Other names: c.189delG, p.Leu64Cysfs (NM_000077.6); c.189del, p.Leu64fs (NM_001195132.2); c.36del, p.Leu13fs (NM_001363763.2); c.232del, p.Ala78fs (NM_058195.4); c.*112del (NM_058197.5); short protein forms L13fs, L64fs, A78fs.
Identifiers: ClinVar variation 644262 (VCV000644262.9), dbSNP rs1587332338, ClinGen allele CA915947482.
Genomic context (GRCh38, chr9:21,971,169, plus strand): 5'-CGTGCACGGGTCGGGTGAGAGTGGCGGGGTCGGCGCAGTTGGGCTCCGCGCCGTGGAGCA[GC>G]AGCAGCTCCGCCACTCGGGCGCTGCCCATCATCATGACCTGCCAGAGAGAACAGAATGGT-3'